The following is an entry in ClinVar:

ClinVar aggregate classification (germline): Pathogenic/Likely pathogenic. Review status: criteria provided, multiple submitters, no conflicts (2 of 4 stars). 4 submissions from 4 submitters: Pathogenic (1); Likely pathogenic (2). 1 of the submissions does not count toward it. Last evaluated 2024-03-05.

Conditions:
Curry-Hall syndrome (WAD). Also called: WEYERS ACRODENTAL DYSOSTOSIS. Identifiers: Orphanet 952, MedGen C0457013, MONDO:0008673, OMIM 193530.
Ellis-van Creveld syndrome (EVC). Also called: EVC2-Related Ellis-van Creveld Syndrome; EVC-Related Ellis-van Creveld Syndrome; MESOECTODERMAL DYSPLASIA; Chondroectodermal dysplasia. Identifiers: Orphanet 289, MedGen C0013903, MONDO:0009162, OMIM 225500.

Allele frequency attached by ClinVar (database versions not stated): gnomAD exomes 0.00001.
gnomAD v4.1: 12 of 1,610,328 alleles (0.00075%); highest among the groups gnomAD compares: Non-Finnish European, 0.001%; no homozygotes.

Submissions (4):

Fulgent Genetics
Classification: Likely pathogenic for Curry-Hall syndrome; Ellis-van Creveld syndrome. Last evaluated: 2024-03-05. Review status: criteria provided, single submitter. Criteria: ACMG Guidelines, 2015. Collection method: clinical testing. Allele origin: germline.

Labcorp Genetics (formerly Invitae), Labcorp
Classification: Likely pathogenic for Curry-Hall syndrome; Ellis-van Creveld syndrome. Last evaluated: 2023-01-07. Review status: criteria provided, single submitter. Criteria: Invitae Variant Classification Sherloc (09022015). Collection method: clinical testing. Allele origin: germline.
Comment: This variant is not present in population databases (gnomAD no frequency). Disruption of this splice site has been observed in individual(s) with Ellis-van Creveld syndrome (PMID: 17024374). ClinVar contains an entry for this variant (Variation ID: 552015). Algorithms developed to predict the effect of sequence changes on RNA splicing suggest that this variant may disrupt the consensus splice site. In summary, the currently available evidence indicates that the variant is pathogenic, but additional data are needed to prove that conclusively. Therefore, this variant has been classified as Likely Pathogenic. This sequence change affects a donor splice site in intron 15 of the EVC gene. It is expected to disrupt RNA splicing. Variants that disrupt the donor or acceptor splice site typically lead to a loss of protein function (PMID: 16199547), and loss-of-function variants in EVC are known to be pathogenic (PMID: 23220543).

Eurofins Ntd Llc (ga)
Classification: Pathogenic. Last evaluated: 2018-08-01. Review status: criteria provided, single submitter. Criteria: EGL ClinVar v180209 classification definitions. Collection method: clinical testing. Allele origin: germline. Observed: 3 variant alleles, 3 heterozygotes.

Counsyl
Classification: Likely pathogenic for Ellis-van Creveld syndrome. Last evaluated: 2017-05-19. Review status: no assertion criteria provided. Collection method: clinical testing. Allele origin: unknown. Not counted in ClinVar's aggregate classification.

Literature cited by the submitters: PubMed 17024374 (cited by Labcorp Genetics (formerly Invitae), Labcorp); PubMed 16199547 (cited by Labcorp Genetics (formerly Invitae), Labcorp); PubMed 23220543 (cited by Labcorp Genetics (formerly Invitae), Labcorp).

NM_153717.3(EVC):c.2304+2T>C

Gene: EVC (EvC ciliary complex subunit 1; plus strand). Cytogenetic location: 4p16.2.
Variant type: single nucleotide variant.
Coding change: c.2304+2T>C on transcript NM_153717.3 (MANE Select); the canonical splice donor site of the intron after coding-DNA position 2304, T replaced by C.
Molecular consequence: splice donor variant.
Genome position (GRCh38, 1-based): chr4:5,798,794, T>C. VCF-style: chr4-5798794-T-C. GRCh37 (hg19) VCF-style: chr4-5800521-T-C.
Other names: c.2304+2T>C (NM_001306090.2).
Identifiers: ClinVar variation 552015 (VCV000552015.11), dbSNP rs1553892090, ClinGen allele CA356145705.
Genomic context (GRCh38, chr4:5,798,794, plus strand): 5'-TGGTGCATGCACGGAATGCAGCCACCAAGAGCCGGGCCAAGGACAGGGATGACTTCAAGG[T>C]ATGCACTGACCTCTGTCCCTGGGGACACCGAGGGCAAGAATGTTCAGGGTAGGGTCCATG-3'